The following is an entry in ClinVar:

NM_001184.4(ATR):c.3098T>G (p.Phe1033Cys)

Gene: ATR (ATR checkpoint kinase; minus strand). Cytogenetic location: 3q23.
Variant type: single nucleotide variant.
Coding change: c.3098T>G on transcript NM_001184.4 (MANE Select); coding-DNA position 3098, T replaced by G.
Protein change: p.Phe1033Cys; replaces phenylalanine 1033 with cysteine.
Molecular consequence: missense variant.
Genome position (GRCh38, 1-based): chr3:142,549,552, A>C on the plus strand (T>G on the coding strand, the complement: ATR is on the minus strand). VCF-style: chr3-142549552-A-C. GRCh37 (hg19) VCF-style: chr3-142268394-A-C.
Other names: c.2906T>G, p.Phe969Cys (NM_001354579.2); short protein forms F969C, F1033C.
Identifiers: ClinVar variation 1727533 (VCV001727533.5), dbSNP rs2473363832, ClinGen allele CA354812345.

ClinVar aggregate classification (germline): Uncertain significance. Review status: criteria provided, multiple submitters, no conflicts (2 of 4 stars). 2 submissions from 2 submitters: Uncertain significance (2). Last evaluated 2024-03-09.

Conditions:
Inborn genetic diseases. Identifiers: MedGen C0950123, MeSH D030342.

Allele frequency attached by ClinVar (database versions not stated): gnomAD exomes below 0.00001.
gnomAD v4.1: 1 of 1,611,838 alleles (0.000062%); highest among the groups gnomAD compares: Non-Finnish European, 0.000085%; no homozygotes.

Submissions (2):

Ambry Genetics
Classification: Uncertain significance for Inborn genetic diseases. Last evaluated: 2024-03-09. Review status: criteria provided, single submitter. Criteria: Ambry Variant Classification Scheme 2023. Collection method: clinical testing. Allele origin: germline.
Comment: The p.F1033C variant (also known as c.3098T>G), located in coding exon 15 of the ATR gene, results from a T to G substitution at nucleotide position 3098. The phenylalanine at codon 1033 is replaced by cysteine, an amino acid with highly dissimilar properties. This amino acid position is conserved. In addition, this alteration is predicted to be deleterious by in silico analysis. Since supporting evidence is limited at this time, the clinical significance of this alteration remains unclear.

Labcorp Genetics (formerly Invitae), Labcorp
Classification: Uncertain significance. Last evaluated: 2023-10-04. Review status: criteria provided, single submitter. Criteria: Invitae Variant Classification Sherloc (09022015). Collection method: clinical testing. Allele origin: germline.
Comment: This sequence change replaces phenylalanine, which is neutral and non-polar, with cysteine, which is neutral and slightly polar, at codon 1033 of the ATR protein (p.Phe1033Cys). This variant is not present in population databases (gnomAD no frequency). This variant has not been reported in the literature in individuals affected with ATR-related conditions. ClinVar contains an entry for this variant (Variation ID: 1727533). An algorithm developed to predict the effect of missense changes on protein structure and function (PolyPhen-2) suggests that this variant is likely to be disruptive. In summary, the available evidence is currently insufficient to determine the role of this variant in disease. Therefore, it has been classified as a Variant of Uncertain Significance.